The following is an entry in ClinVar:

NM_004369.4(COL6A3):c.6272G>C (p.Arg2091Thr)

Gene: COL6A3 (collagen type VI alpha 3 chain; minus strand). Cytogenetic location: 2q37.3.
Variant type: single nucleotide variant.
Coding change: c.6272G>C on transcript NM_004369.4 (MANE Select); coding-DNA position 6272, G replaced by C.
Protein change: p.Arg2091Thr; replaces arginine 2091 with threonine.
Molecular consequence: missense variant.
Genome position (GRCh38, 1-based): chr2:237,360,098, C>G on the plus strand (G>C on the coding strand, the complement: COL6A3 is on the minus strand). VCF-style: chr2-237360098-C-G. GRCh37 (hg19) VCF-style: chr2-238268741-C-G.
Other names: c.4451G>C, p.Arg1484Thr (NM_057166.5); c.5654G>C, p.Arg1885Thr (NM_057167.4); short protein forms R1484T, R1885T, R2091T.
Identifiers: ClinVar variation 3637888 (VCV003637888.2).

ClinVar aggregate classification (germline): Uncertain significance (1 of 4 stars; one submission).

Conditions:
Bethlem myopathy 1A. Also called: Bethlem myopathy 1; MYOPATHY, BENIGN CONGENITAL, WITH CONTRACTURES; Bethlem Muscular Dystrophy. Identifiers: Orphanet 610, MedGen CN029274, MONDO:0024530, OMIM 158810.

Submission:

Labcorp Genetics (formerly Invitae), Labcorp
Classification: Uncertain significance for Bethlem myopathy 1A. Last evaluated: 2024-03-15. Review status: criteria provided, single submitter. Criteria: Invitae Variant Classification Sherloc (09022015). Collection method: clinical testing. Allele origin: germline.
Comment: This sequence change replaces arginine, which is basic and polar, with threonine, which is neutral and polar, at codon 2091 of the COL6A3 protein (p.Arg2091Thr). This variant is not present in population databases (gnomAD no frequency). This variant has not been reported in the literature in individuals affected with COL6A3-related conditions. Advanced modeling of protein sequence and biophysical properties (such as structural, functional, and spatial information, amino acid conservation, physicochemical variation, residue mobility, and thermodynamic stability) performed at Invitae indicates that this missense variant is expected to disrupt COL6A3 protein function with a positive predictive value of 80%. In summary, the available evidence is currently insufficient to determine the role of this variant in disease. Therefore, it has been classified as a Variant of Uncertain Significance.